The following is an entry in ClinVar:

NM_006922.4(SCN3A):c.4312T>C (p.Tyr1438His)

Gene: SCN3A (sodium voltage-gated channel alpha subunit 3; minus strand). Cytogenetic location: 2q24.3.
Variant type: single nucleotide variant.
Coding change: c.4312T>C on transcript NM_006922.4 (MANE Select); coding-DNA position 4312, T replaced by C.
Protein change: p.Tyr1438His; replaces tyrosine 1438 with histidine.
Molecular consequence: missense variant.
Genome position (GRCh38, 1-based): chr2:165,095,630, A>G on the plus strand (T>C on the coding strand, the complement: SCN3A is on the minus strand). VCF-style: chr2-165095630-A-G. GRCh37 (hg19) VCF-style: chr2-165952140-A-G.
Other names: c.4165T>C, p.Tyr1389His (NM_001081676.2, NM_001081677.2); c.4312T>C (NM_006922.3); short protein forms Y1389H, Y1438H.
Identifiers: ClinVar variation 2043188 (VCV002043188.7), dbSNP rs760511651, ClinGen allele CA1938588.
Genomic context (GRCh38, chr2:165,095,630, plus strand): 5'-AGAATGACCCAAAGATGATAAAGATGACAAAGTATAAATACATGTACAGATTTTCTTCAT[A>G]TACAGGCTGAAGTTTAACCTAAATGATATTGAAAATATTAAATAATATGAAAAATACTAT-3'
Protein context (NP_008853.3, residues 1428-1448): DSRDVKLQPV[Tyr1438His]EENLYMYLYF

ClinVar aggregate classification (germline): Uncertain significance. Review status: criteria provided, multiple submitters, no conflicts (2 of 4 stars). 3 submissions from 3 submitters: Uncertain significance (3). Last evaluated 2026-04-11.

Conditions:
Inborn genetic diseases. Identifiers: MedGen C0950123, MeSH D030342.

Allele frequency attached by ClinVar (database versions not stated): gnomAD exomes below 0.00001; TOPMed below 0.00001; ExAC 0.00001; gnomAD 0.00001.
gnomAD v4.1: 5 of 1,460,184 alleles (0.00034%); highest among the groups gnomAD compares: Non-Finnish European, 0.00048%; no homozygotes.

Submissions (3):

Ambry Genetics
Classification: Uncertain significance for Inborn genetic diseases. Last evaluated: 2026-04-11. Review status: criteria provided, single submitter. Criteria: Ambry Variant Classification Scheme 2023. Collection method: clinical testing. Allele origin: germline.
Comment: The c.4312T>C (p.Y1438H) alteration is located in exon 25 (coding exon 23) of the SCN3A gene. This alteration results from a T to C substitution at nucleotide position 4312, causing the tyrosine (Y) at amino acid position 1438 to be replaced by a histidine (H). Based on data from gnomAD, the C allele has an overall frequency of <0.001% (1/249900) total alleles studied. The highest observed frequency was 0.001% (1/113008) of European (non-Finnish) alleles. Based on insufficient or conflicting evidence, the clinical significance of this alteration remains unclear.

GeneDx
Classification: Uncertain significance. Last evaluated: 2026-02-26. Review status: criteria provided, single submitter. Criteria: GeneDx Variant Classification Process June 2021. Collection method: clinical testing. Allele origin: germline.
Comment: Not observed at significant frequency in large population cohorts (gnomAD); In silico analysis supports that this missense variant has a deleterious effect on protein structure/function; Has not been previously published as pathogenic or benign to our knowledge

Labcorp Genetics (formerly Invitae), Labcorp
Classification: Uncertain significance. Last evaluated: 2022-03-11. Review status: criteria provided, single submitter. Criteria: Invitae Variant Classification Sherloc (09022015). Collection method: clinical testing. Allele origin: germline.
Comment: In summary, the available evidence is currently insufficient to determine the role of this variant in disease. Therefore, it has been classified as a Variant of Uncertain Significance. Algorithms developed to predict the effect of missense changes on protein structure and function are either unavailable or do not agree on the potential impact of this missense change (SIFT: "Deleterious"; PolyPhen-2: "Possibly Damaging"; Align-GVGD: "Class C0"). This variant has not been reported in the literature in individuals affected with SCN3A-related conditions. This variant is present in population databases (rs760511651, gnomAD 0.0009%). This sequence change replaces tyrosine, which is neutral and polar, with histidine, which is basic and polar, at codon 1438 of the SCN3A protein (p.Tyr1438His).